The following is an entry in ClinVar:

ClinVar aggregate classification (germline): Uncertain significance (1 of 4 stars; one submission).

gnomAD v4.1: 1 of 1,211,232 alleles (0.000083%); highest among the groups gnomAD compares: Non-Finnish European, 0.00011%; no homozygotes.

Submission:

Labcorp Genetics (formerly Invitae), Labcorp
Classification: Uncertain significance. Last evaluated: 2025-02-24. Review status: criteria provided, single submitter. Criteria: Invitae Variant Classification Sherloc (09022015). Collection method: clinical testing. Allele origin: germline.
Comment: This sequence change replaces glycine, which is neutral and non-polar, with aspartic acid, which is acidic and polar, at codon 1101 of the NEXMIF protein (p.Gly1101Asp). This variant is not present in population databases (gnomAD no frequency). This variant has not been reported in the literature in individuals affected with NEXMIF-related conditions. ClinVar contains an entry for this variant (Variation ID: 2814733). An algorithm developed to predict the effect of missense changes on protein structure and function outputs the following: PolyPhen-2: "Benign". The aspartic acid amino acid residue is found in multiple mammalian species, which suggests that this missense change does not adversely affect protein function. In summary, the available evidence is currently insufficient to determine the role of this variant in disease. Therefore, it has been classified as a Variant of Uncertain Significance.

NM_001008537.3(NEXMIF):c.3302G>A (p.Gly1101Asp)

Gene: NEXMIF (neurite extension and migration factor; minus strand). Cytogenetic location: Xq13.3.
Variant type: single nucleotide variant.
Coding change: c.3302G>A on transcript NM_001008537.3 (MANE Select); coding-DNA position 3302, G replaced by A.
Protein change: p.Gly1101Asp; replaces glycine 1101 with aspartic acid.
Molecular consequence: missense variant.
Genome position (GRCh38, 1-based): chrX:74,741,255, C>T on the plus strand (G>A on the coding strand, the complement: NEXMIF is on the minus strand). VCF-style: chrX-74741255-C-T. GRCh37 (hg19) VCF-style: chrX-73961090-C-T.
Other names: short protein forms G1101D.
Identifiers: ClinVar variation 2814733 (VCV002814733.3), dbSNP rs1388842555, ClinGen allele CA413666258.
Genomic context (GRCh38, chrX:74,741,255, plus strand): 5'-CGTGAAAGGGTACTGCAGTCCCACTTGATTTTTTCCACACTGTCCAATGGTCCTGGGACA[C>T]CCTCTTGGAACCCCTTTAGTGTTCCTAGTGTCTTCATACTCTCACATCTGGTAATTTGAG-3'
Protein context (NP_001008537.1, residues 1091-1111): TLGTLKGFQE[Gly1101Asp]VPGPLDSVEK